The following is an entry in ClinVar:

NM_000368.5(TSC1):c.1607T>A (p.Leu536Ter)

Gene: TSC1 (TSC complex subunit 1; minus strand). Cytogenetic location: 9q34.13.
Variant type: single nucleotide variant.
Coding change: c.1607T>A on transcript NM_000368.5 (MANE Select); coding-DNA position 1607, T replaced by A.
Protein change: p.Leu536Ter; replaces leucine 536 with a stop codon.
Molecular consequence: nonsense.
Genome position (GRCh38, 1-based): chr9:132,905,971, A>T on the plus strand (T>A on the coding strand, the complement: TSC1 is on the minus strand). VCF-style: chr9-132905971-A-T. GRCh37 (hg19) VCF-style: chr9-135781358-A-T.
Other names: c.1604T>A, p.Leu535Ter (NM_001162426.2, NM_001406597.1, NM_001406598.1 and 6 more transcripts); c.1454T>A, p.Leu485Ter (NM_001162427.2, NM_001406610.1); c.1244T>A, p.Leu415Ter (NM_001362177.2, NM_001406614.1, NM_001406615.1 and 5 more transcripts); c.1607T>A, p.Leu536Ter (NM_001406592.1, NM_001406593.1, NM_001406594.1 and 7 more transcripts); c.1451T>A, p.Leu484Ter (NM_001406613.1, NM_001406611.1, NM_001406612.1); c.1241T>A, p.Leu414Ter (NM_001406620.1, NM_001406621.1, NM_001406622.1 and 2 more transcripts); c.656T>A, p.Leu219Ter (NM_001406626.1); c.653T>A, p.Leu218Ter (NM_001406627.1, NM_001406628.1); and 1 more; short protein forms L485*, L536*, L484*, L185*, L414*, L415*, L218*, L219*.
Identifiers: ClinVar variation 2134426 (VCV002134426.4), dbSNP rs776633158, ClinGen allele CA375364753.

ClinVar aggregate classification (germline): Pathogenic (1 of 4 stars; one submission).

Conditions:
Tuberous sclerosis 1 (TSC1). Identifiers: Orphanet 805, MedGen C1854465, MONDO:0008612, OMIM 191100.

Submission:

Labcorp Genetics (formerly Invitae), Labcorp
Classification: Pathogenic for Tuberous sclerosis 1. Last evaluated: 2022-05-05. Review status: criteria provided, single submitter. Criteria: Invitae Variant Classification Sherloc (09022015). Collection method: clinical testing. Allele origin: germline.
Comment: For these reasons, this variant has been classified as Pathogenic. This variant has not been reported in the literature in individuals affected with TSC1-related conditions. This variant is not present in population databases (gnomAD no frequency). This sequence change creates a premature translational stop signal (p.Leu536*) in the TSC1 gene. It is expected to result in an absent or disrupted protein product. Loss-of-function variants in TSC1 are known to be pathogenic (PMID: 10227394, 17304050).

Literature cited by the submitters: PubMed 10227394; PubMed 17304050.